The following is an entry in ClinVar:

ClinVar aggregate classification (germline): Likely benign (0 of 4 stars; one submission).

Conditions:
PAX7-related disorder. Also called: PAX7-related condition.

Submission:

PreventionGenetics, part of Exact Sciences
Classification: Likely benign for PAX7-related condition. Last evaluated: 2023-02-15. Review status: no assertion criteria provided. Collection method: clinical testing. Allele origin: germline.
Comment: This variant is classified as likely benign based on ACMG/AMP sequence variant interpretation guidelines (Richards et al. 2015 PMID: 25741868, with internal and published modifications).

NM_001135254.2(PAX7):c.189C>A (p.Ala63=)

Gene: PAX7 (paired box 7; plus strand). Cytogenetic location: 1p36.13.
Variant type: single nucleotide variant.
Coding change: c.189C>A on transcript NM_001135254.2 (MANE Select); coding-DNA position 189, C replaced by A.
Protein change: p.Ala63=; no amino-acid change (alanine 63 retained).
Molecular consequence: synonymous variant.
Genome position (GRCh38, 1-based): chr1:18,634,406, C>A. VCF-style: chr1-18634406-C-A. GRCh37 (hg19) VCF-style: chr1-18960900-C-A.
Other names: c.189C>A, p.Ala63= (NM_002584.3, NM_013945.3).
Identifiers: ClinVar variation 3052006 (VCV003052006.2), dbSNP rs2521556465, ClinGen allele CA416663514.